The following is an entry in ClinVar:

NM_001148.6(ANK2):c.5002G>A (p.Ala1668Thr)

Gene: ANK2 (ankyrin 2; plus strand). Cytogenetic location: 4q26.
Variant type: single nucleotide variant.
Coding change: c.5002G>A on transcript NM_001148.6 (MANE Select); coding-DNA position 5002, G replaced by A.
Protein change: p.Ala1668Thr; replaces alanine 1668 with threonine.
Molecular consequence: missense variant. On other transcripts: intron variant (68).
Genome position (GRCh38, 1-based): chr4:113,353,620, G>A. VCF-style: chr4-113353620-G-A. GRCh37 (hg19) VCF-style: chr4-114274776-G-A.
Other names: c.5119G>A, p.Ala1707Thr (NM_001386175.1); c.4411+3371G>A (NM_001386186.2, NM_001386148.2); c.4213+3371G>A (NM_001354269.3); c.4291+3371G>A (NM_001386187.2); c.4252+3371G>A (NM_001386147.1); c.4270+3371G>A (NM_001386160.1); c.4375+3371G>A (NM_001354254.2); c.4396+3371G>A (NM_001354239.2, NM_001354252.2); and 35 more; short protein forms A1590T, A1668T, A1707T, A1715T, A468T.
Identifiers: ClinVar variation 4804429 (VCV004804429.1).

ClinVar aggregate classification (germline): Uncertain significance (1 of 4 stars; one submission).

Conditions:
Long QT syndrome (LQTS). Identifiers: MedGen C0023976, MeSH D008133, MONDO:0002442. Disease mechanism: loss of function. Inheritance: Various modes of inheritance.

Submission:

Labcorp Genetics (formerly Invitae), Labcorp
Classification: Uncertain significance for Long QT syndrome. Last evaluated: 2025-06-12. Review status: criteria provided, single submitter. Criteria: Invitae Variant Classification Sherloc (09022015). Collection method: clinical testing. Allele origin: germline.
Comment: This sequence change replaces alanine, which is neutral and non-polar, with threonine, which is neutral and polar, at codon 1668 of the ANK2 protein (p.Ala1668Thr). This variant is not present in population databases (gnomAD no frequency). This variant has not been reported in the literature in individuals affected with ANK2-related conditions. An algorithm developed to predict the effect of missense changes on protein structure and function outputs the following: PolyPhen-2: "Benign". The threonine amino acid residue is found in multiple mammalian species, which suggests that this missense change does not adversely affect protein function. In summary, the available evidence is currently insufficient to determine the role of this variant in disease. Therefore, it has been classified as a Variant of Uncertain Significance.